The following is an entry in ClinVar:

NM_007194.4(CHEK2):c.846+1_846+2delinsC

Gene: CHEK2 (checkpoint kinase 2; minus strand). Cytogenetic location: 22q12.1.
Variant type: Indel.
Coding change: c.846+1_846+2delinsC on transcript NM_007194.4 (MANE Select); the canonical splice donor site of the intron after coding-DNA position 846, GT replaced by C.
Molecular consequence: splice donor variant.
Genome position (GRCh38, 1-based): chr22:28,710,004-28,710,005, AC replaced by G on the plus strand (GT replaced by C on the coding strand, the reverse complement: CHEK2 is on the minus strand). VCF-style: chr22-28710004-AC-G. GRCh37 (hg19) VCF-style: chr22-29105992-AC-G.
Other names: c.183+1_183+2delinsC (NM_001437942.1, NM_001257387.3); c.645+1_645+2delinsC (NM_001349956.3); c.846+1_846+2delinsC (NM_145862.3); c.939+1_939+2delinsC (NM_001438295.1, NM_001438293.1); c.975+1_975+2delinsC (NM_001438294.1, NM_001005735.3).
Identifiers: ClinVar variation 2583340 (VCV002583340.2), dbSNP rs2517942080, ClinGen allele CA2582342749.
Genomic context (GRCh38, chr22:28,710,004, plus strand): 5'-TTATACTCTTCTCATATTTTGAGATAGATAAATCTAAGTATGAGTCATATAATAATACTT[AC>G]ATGATTTAGCTTTTTCAAAATTTCTATTTCTGTTTCAACATTGAGAGCTGGGTCCTTTGA-3'

ClinVar aggregate classification (germline): Likely pathogenic (1 of 4 stars; one submission).

Conditions:
Familial cancer of breast. Also called: Hereditary breast cancer; BREAST CANCER, FAMILIAL; hereditary breast carcinoma. Identifiers: Orphanet 227535, MedGen C0346153, MONDO:0016419, OMIM 114480. Disease mechanism: loss of function.

Submission:

Myriad Genetics, Inc.
Classification: Likely pathogenic for Familial cancer of breast. Last evaluated: 2023-06-27. Review status: criteria provided, single submitter. Criteria: Myriad Autosomal Dominant, Autosomal Recessive and X-Linked Classification Criteria (2023). Collection method: clinical testing. Allele origin: unknown.
Comment: This variant is considered likely pathogenic. This variant occurs within a consensus splice junction and is predicted to result in abnormal mRNA splicing of either an out-of-frame exon or an in-frame exon necessary for protein stability and/or normal function.